The following is an entry in ClinVar:

NM_000059.4(BRCA2):c.518_520delinsT (p.Gly173fs)

Gene: BRCA2 (BRCA2 DNA repair associated; plus strand). Cytogenetic location: 13q13.1.
Variant type: Indel.
Coding change: c.518_520delinsT on transcript NM_000059.4 (MANE Select); coding-DNA positions 518 to 520, GTC replaced by T.
Protein change: p.Gly173fs; shifts the reading frame from glycine 173.
Molecular consequence: frameshift variant. On other transcripts: non-coding transcript variant (1).
Genome position (GRCh38, 1-based): chr13:32,326,500-32,326,502, GTC replaced by T. VCF-style: chr13-32326500-GTC-T. GRCh37 (hg19) VCF-style: chr13-32900637-GTC-T.
Other names: c.518_520delinsT, p.Gly173fs (NM_001406719.1, NM_001406720.1, NM_001406721.1 and 1 more transcripts); c.149_151delinsT, p.Gly50fs (NM_001406722.1); short protein forms G173fs, G50fs.
Identifiers: ClinVar variation 4813031 (VCV004813031.2).
Genomic context (GRCh38, chr13:32,326,500, plus strand): 5'-TAATATCCTTAATGATCAGGGCATTTCTATAAAAAATAAACTATTTTCTTTCCTCCCAGG[GTC>T]GTCAGACACCAAAACATATTTCTGAAAGTCTAGGAGCTGAGGTGGATCCTGATATGTCTT-3'

ClinVar aggregate classification (germline): Pathogenic. Review status: criteria provided, multiple submitters, no conflicts (2 of 4 stars). 2 submissions from 2 submitters: Pathogenic (2). Last evaluated 2026-02-19.

Conditions:
Hereditary cancer-predisposing syndrome. Also called: Neoplastic Syndromes, Hereditary; Hereditary neoplastic syndrome; Tumor predisposition; Hereditary Cancer Syndrome. Identifiers: Orphanet 140162, MedGen C0027672, MeSH D009386, MONDO:0015356.
Breast-ovarian cancer, familial, susceptibility to, 2 (BROVCA2). Also called: BRCA2 Hereditary Breast and Ovarian Cancer. Identifiers: Orphanet 145, MedGen C2675520, MONDO:0012933, OMIM 612555. Disease mechanism: loss of function.

Submissions (2):

Ambry Genetics
Classification: Pathogenic for Hereditary cancer-predisposing syndrome. Last evaluated: 2026-02-19. Review status: criteria provided, single submitter. Criteria: Ambry Variant Classification Scheme 2023. Collection method: clinical testing. Allele origin: germline.
Comment: The c.518_520delGTCinsT pathogenic mutation, located in coding exon 6 of the BRCA2 gene, results from the deletion of 3 nucleotides and insertion of one nucleotide causing a translational frameshift with a predicted alternate stop codon (p.G173Vfs*9). This variant is considered to be rare based on population cohorts in the Genome Aggregation Database (gnomAD). This alteration is expected to result in loss of function by premature protein truncation or nonsense-mediated mRNA decay. As such, this alteration is interpreted as a disease-causing mutation.

Myriad Genetics, Inc.
Classification: Pathogenic for Breast-ovarian cancer, familial, susceptibility to, 2. Last evaluated: 2025-12-30. Review status: criteria provided, single submitter. Criteria: Myriad Autosomal Dominant, Autosomal Recessive and X-Linked Classification Criteria (2023). Collection method: clinical testing. Allele origin: unknown.
Comment: This variant is considered pathogenic. This variant creates a frameshift predicted to result in premature protein truncation.